The following is an entry in ClinVar:

NM_007315.4(STAT1):c.*535C>T

Gene: STAT1 (signal transducer and activator of transcription 1; minus strand). Cytogenetic location: 2q32.2.
Variant type: single nucleotide variant.
Coding change: c.*535C>T on transcript NM_007315.4 (MANE Select); 535 bases downstream of the stop codon, C replaced by T.
Molecular consequence: 3 prime UTR variant.
Genome position (GRCh38, 1-based): chr2:190,970,168, G>A on the plus strand (C>T on the coding strand, the complement: STAT1 is on the minus strand). VCF-style: chr2-190970168-G-A. GRCh37 (hg19) VCF-style: chr2-191834894-G-A.
Other names: c.*535C>T (NM_001384880.1, NM_001384881.1, NM_001384882.1 and 9 more transcripts).
Identifiers: ClinVar variation 333258 (VCV000333258.6), dbSNP rs41476445, ClinGen allele CA10613602.

ClinVar aggregate classification (germline): Benign. Review status: criteria provided, multiple submitters, no conflicts (2 of 4 stars). 2 submissions from 2 submitters: Benign (2). Last evaluated 2018-01-12.

Conditions:
Mendelian susceptibility to mycobacterial diseases due to partial STAT1 deficiency. Also called: IMMUNODEFICIENCY 31A, MYCOBACTERIOSIS, AUTOSOMAL DOMINANT; STAT1 DEFICIENCY, AUTOSOMAL DOMINANT; Immunodeficiency 31a. Identifiers: Orphanet 319595, MedGen C4013950, MONDO:0013956, OMIM 614892.

Allele frequency attached by ClinVar (database versions not stated): 1000 Genomes Project 0.01078; TOPMed 0.01150; gnomAD exomes 0.00319; gnomAD 0.00947 and 0.00990; 1000 Genomes Project 30x 0.01234.

Submissions (2):

Illumina Laboratory Services, Illumina
Classification: Benign for Mendelian susceptibility to mycobacterial diseases due to partial STAT1 deficiency. Last evaluated: 2018-01-12. Review status: criteria provided, single submitter. Criteria: ICSL Variant Classification Criteria 13 December 2019. Collection method: clinical testing. Allele origin: germline.
Comment: This variant was observed in the ICSL laboratory as part of a predisposition screen in an ostensibly healthy population. It had not been previously curated by ICSL or reported in the Human Gene Mutation Database (HGMD: prior to June 1st, 2018), and was therefore a candidate for classification through an automated scoring system. Utilizing variant allele frequency, disease prevalence and penetrance estimates, and inheritance mode, an automated score was calculated to assess if this variant is too frequent to cause the disease. Based on the score and internal cut-off values, a variant classified as benign is not then subjected to further curation. The score for this variant resulted in a classification of benign for this disease.

Breakthrough Genomics
Classification: Benign. Review status: criteria provided, single submitter. Criteria: ACMG Guidelines, 2015. Collection method: not provided. Allele origin: germline. Inheritance: Autosomal recessive inheritance. Affected: yes.